The following is an entry in ClinVar:

NM_000455.5(STK11):c.754C>G (p.Leu252Val)

Gene: STK11 (serine/threonine kinase 11; plus strand). Cytogenetic location: 19p13.3.
Variant type: single nucleotide variant.
Coding change: c.754C>G on transcript NM_000455.5 (MANE Select); coding-DNA position 754, C replaced by G.
Protein change: p.Leu252Val; replaces leucine 252 with valine.
Molecular consequence: missense variant.
Genome position (GRCh38, 1-based): chr19:1,221,232, C>G. VCF-style: chr19-1221232-C-G. GRCh37 (hg19) VCF-style: chr19-1221231-C-G.
Other names: short protein forms L252V.
Identifiers: ClinVar variation 492557 (VCV000492557.6), dbSNP rs1363669559, ClinGen allele CA402950377.
Genomic context (GRCh38, chr19:1,221,232, plus strand): 5'-CTTGACTGACCACGCCTTTCTTCCCTCCCCTCGAAATGAAGCTACAACATCACCACGGGT[C>G]TGTACCCCTTCGAAGGGGACAACATCTACAAGTTGTTTGAGAACATCGGGAAGGGGAGCT-3'
Protein context (NP_000446.1, residues 242-262): GVTLYNITTG[Leu252Val]YPFEGDNIYK

ClinVar aggregate classification (germline): Uncertain significance (1 of 4 stars; one submission).

Conditions:
Hereditary cancer-predisposing syndrome. Also called: Hereditary neoplastic syndrome; Tumor predisposition; Hereditary Cancer Syndrome; Neoplastic Syndromes, Hereditary. Identifiers: Orphanet 140162, MedGen C0027672, MeSH D009386, MONDO:0015356.

Submission:

Color Diagnostics, LLC DBA Color Health
Classification: Uncertain significance for Hereditary cancer-predisposing syndrome. Last evaluated: 2023-12-05. Review status: criteria provided, single submitter. Criteria: ACMG Guidelines, 2015. Collection method: clinical testing. Allele origin: germline.
Comment: This missense variant replaces leucine with valine at codon 252 of the STK11 protein. Computational prediction suggests that this variant may not impact protein structure and function (internally defined REVEL score threshold <= 0.5, PMID: 27666373). To our knowledge, functional studies have not been reported for this variant. This variant has not been reported in individuals affected with STK11-related disorders in the literature. This variant has not been identified in the general population by the Genome Aggregation Database (gnomAD). The available evidence is insufficient to determine the role of this variant in disease conclusively. Therefore, this variant is classified as a Variant of Uncertain Significance.